The following is an entry in ClinVar:

ClinVar aggregate classification (germline): Uncertain significance (1 of 4 stars; one submission).

Conditions:
PIK3R1-related disorder. Also called: PIK3R1-related condition.

gnomAD v4.1: 4 of 1,614,094 alleles (0.00025%); highest among the groups gnomAD compares: East Asian, 0.0022%; no homozygotes.

Submission:

PreventionGenetics, part of Exact Sciences
Classification: Uncertain significance for PIK3R1-related condition. Last evaluated: 2025-08-22. Review status: criteria provided, single submitter. Criteria: ACMG Guidelines, 2015. Collection method: clinical testing. Allele origin: germline.
Comment: The PIK3R1 c.1660G>A variant is predicted to result in the amino acid substitution p.Ala554Thr. To our knowledge, this variant has not been reported in the literature or in a large population database (gnomAD), indicating this variant is rare. At this time, the clinical significance of this variant is uncertain due to the absence of conclusive functional and genetic evidence.

NM_181523.3(PIK3R1):c.1660G>A (p.Ala554Thr)

Gene: PIK3R1 (phosphoinositide-3-kinase regulatory subunit 1; plus strand). Cytogenetic location: 5q13.1.
Variant type: single nucleotide variant.
Coding change: c.1660G>A on transcript NM_181523.3 (MANE Select); coding-DNA position 1660, G replaced by A.
Protein change: p.Ala554Thr; replaces alanine 554 with threonine.
Molecular consequence: missense variant.
Genome position (GRCh38, 1-based): chr5:68,295,239, G>A. VCF-style: chr5-68295239-G-A. GRCh37 (hg19) VCF-style: chr5-67591067-G-A.
Other names: c.571G>A, p.Ala191Thr (NM_001242466.2); c.850G>A, p.Ala284Thr (NM_181504.4); c.760G>A, p.Ala254Thr (NM_181524.2); short protein forms A191T, A554T, A254T, A284T.
Identifiers: ClinVar variation 4985336 (VCV004985336.1).
Genomic context (GRCh38, chr5:68,295,239, plus strand): 5'-CGAATCAGTGAAATTATTGACAGTAGAAGAAGATTGGAAGAAGACTTGAAGAAGCAGGCA[G>A]CTGAGTATCGAGAAATTGACAAACGTATGAACAGCATTAAACCAGACCTTATCCAGCTGA-3'
Protein context (NP_852664.1, residues 544-564): RLEEDLKKQA[Ala554Thr]EYREIDKRMN